The following continues an entry in ClinVar:

NM_000051.4(ATM):c.8122G>A (p.Asp2708Asn)

ClinVar aggregate classification (germline): Pathogenic/Likely pathogenic. Pathogenic (12); Likely pathogenic (10).

Submissions 9 to 19 of 24:

GeneDx
Classification: Pathogenic. Last evaluated: 2025-04-27. Review status: criteria provided, single submitter. Criteria: GeneDx Variant Classification Process June 2021. Collection method: clinical testing. Allele origin: germline. Affected: yes.
Comment: Not observed at significant frequency in large population cohorts (gnomAD); In silico analysis supports that this missense variant has a deleterious effect on protein structure/function; This variant is associated with the following publications: (PMID: 19431188, 17124347, 27913932, 17910737, 23632773, 21792198, 29600275, 29909963, 27304073, 28779002, 23454770, 33436325, 29922827, 32980694, 33280026, 33471991, 16941484, 22071889, 39283238, 33804961, 35451682, 34755017, 34887416, 39967281, 36979741, 38404774)

Dasa
Classification: Pathogenic for ATM-related cancer predisposition. Last evaluated: 2025-04-16. Review status: criteria provided, single submitter. Criteria: DASA Assertion Criteria. Collection method: clinical testing. Allele origin: germline.
Comment: NM_000051.4(ATM):c.8122G>A (p.Asp2708Asn) is a missense variant that results in the substitution of aspartic acid with asparagine. This variant has been observed in affected individuals with ATM-related cancer predisposition in a genotype context consistent with recessive disease (PMID: 23632773; PMID: 27913932; PMID: 16941484; PMID: 22071889; PMID: 21665257). Functional evidence supports a deleterious effect on the gene or gene product (PMID: 23632773; PMID: 27913932; PMID: 16941484; PMID: 22071889; PMID: 21665257). This variant has been recurrently observed in individuals with ATM-related cancer predisposition (PMID: 23632773; PMID: 27913932; PMID: 16941484; PMID: 22071889; PMID: 21665257). Segregation evidence has been reported in affected families. The variant is present at low frequency in population datasets. Based on the available data, this variant is classified as pathogenic.

Blueprint Genetics
Classification: Pathogenic for ATM-related disorders. Last evaluated: 2024-06-03. Review status: criteria provided, single submitter. Criteria: ACMG Guidelines, 2015. Collection method: clinical testing. Allele origin: de novo. Affected: yes. Observed: 3 variant alleles.

Color Diagnostics, LLC DBA Color Health
Classification: Likely pathogenic for Hereditary cancer-predisposing syndrome. Last evaluated: 2024-02-12. Review status: criteria provided, single submitter. Criteria: ACMG Guidelines, 2015. Collection method: clinical testing. Allele origin: germline.
Comment: This missense variant replaces aspartic acid with asparagine at codon 2708 of the ATM protein. Computational prediction is inconclusive regarding the impact of this variant on protein structure and function. Functional studies have shown that this variant results in reduced ATM kinase activity (PMID: 19431188). This variant has been reported in the compound heterozygous state with an additional pathogenic ATM variant in individuals affected with ataxia telangiectasia (PMID: 16941484, 17124347, 17910737, 19431188, 21665257, 21792198, 22071889, 23632773, 25122203, 30338439). It has been reported that cells derived from some of these individuals display reduced kinase activity, protein expression and irradiation response and increased radiosensitivity (PMID: 22071889, 23632773). This variant has also been reported in individuals affected with breast cancer (PMID: 27913932, 28779002). This variant has been identified in 1/251356 chromosomes in the general population by the Genome Aggregation Database (gnomAD). Based on the available evidence, this variant is classified as Likely Pathogenic.

Myriad Genetics, Inc.
Classification: Likely pathogenic for Familial cancer of breast. Last evaluated: 2024-02-01. Review status: criteria provided, single submitter. Criteria: Myriad Autosomal Dominant, Autosomal Recessive and X-Linked Classification Criteria (2023). Collection method: clinical testing. Allele origin: unknown.
Comment: This variant is considered likely pathogenic. This variant has been reported in multiple individuals with clinical features of gene-specific disease [PMID: 22071889, 21665257, 17910737]. Functional studies indicate this variant impacts protein function [PMID: 22071889,19431188, 23632773].

Baylor Genetics
Classification: Pathogenic for Familial cancer of breast. Last evaluated: 2023-08-05. Review status: criteria provided, single submitter. Criteria: ACMG Guidelines, 2015. Collection method: clinical testing. Allele origin: unknown.

Women's Health and Genetics/Laboratory Corporation of America, LabCorp
Classification: Pathogenic for Familial prostate cancer. Last evaluated: 2023-04-28. Review status: criteria provided, single submitter. Criteria: LabCorp Variant Classification Summary - May 2015. Collection method: clinical testing. Allele origin: germline.
Comment: Variant summary: ATM c.8122G>A (p.Asp2708Asn) results in a conservative amino acid change located in the catalytic domain (IPR044107) of the encoded protein sequence. Four of five in-silico tools predict a damaging effect of the variant on protein function. The variant allele was found at a frequency of 4e-06 (i.e., 1 heterozygote) in 251356 control chromosomes (gnomAD v2, exomes cohort). The available data on variant occurrences in the general population are insufficient to allow any conclusion about variant significance. c.8122G>A has been reported in the literature in multiple compound heterozygous individuals affected with classic- and variant Ataxia-Telangiectasia (A-T) (e.g., Thompson_2005, Cavalieri_2006, Reiman_2011, Jacquemin_2012, Prodosmo_2013, Claes_2013), and in heterozygous individuals affected with various tumor phenotypes, including prostate-, breast/ovarian-, and pancreatic cancer (e.g., Hata_2021, Karlsson_2021, Tavera-Tapia_2017, Dorling_2021). These data indicate that the variant is very likely to be associated with disease. Publications also reported experimental evidence evaluating an impact on protein function, and demonstrated decreased protein levels and kinase activity in an in vitro expression system (Barone_2009), and in patient derived cells (e.g. Reiman_2011, Jacquemin_2012, Prodosmo_2013, Claes_2013). The following publications have been ascertained in the context of this evaluation (PMID: 19431188, 16941484, 23632773, 34755017, 22071889, 33436325, 23454770, 21792198, 27913932, 15928302, 29909963, 33471991). Multiple ClinVar submitters (evaluation after 2014) have cited the variant and all laboratories classified the variant as pathogenic (n = 4) or likely pathogenic (n = 8). Based on the evidence outlined above, the variant was classified as pathogenic.

CHEO Genetics Diagnostic Laboratory, Children's Hospital of Eastern Ontario
Classification: Likely pathogenic for Breast and/or ovarian cancer. Last evaluated: 2023-02-03. Review status: criteria provided, single submitter. Criteria: ACMG Guidelines, 2015. Collection method: clinical testing. Allele origin: germline.

Revvity Omics, Revvity
Classification: Pathogenic for Ataxia-telangiectasia syndrome. Last evaluated: 2022-11-22. Review status: criteria provided, single submitter. Criteria: ACMG Guidelines, 2015. Collection method: clinical testing. Allele origin: germline.

Spanish ATM Cancer Susceptibility Variant Interpretation Working Group
Classification: Likely pathogenic for Hereditary cancer-predisposing syndrome. Last evaluated: 2020-06-17. Review status: criteria provided, single submitter. Criteria: Feliubadaló L et al. (Clin Chem 2021). Collection method: clinical testing. Allele origin: germline. Affected: yes. Observed: 1 heterozygote.
Comment: The c.8122G>A (p.Asp2708Asn) variant appears only once in the gnomAD v2.1.1 non-cancer dataset, specifically in the South-Asian subpopulation (PM2). This missense variant is not predicted to lead to a splicing alteration as per SPiCE predictor and no splicing site is created/activated according to at least 3 splicing predictors of the set SpliceSiteFinderlike - MaxEntScan - NNSplice – GeneSplicer, but it alters the protein function / structure on the in-silico prediction reports of REVEL and PROVEAN (PP3). It has been described in trans with the pathogenic ATM variant c.2250G>A in two ataxia-telangiectasia probands and together (unknown phase) with the pathogenic ATM variant c.3712_3716del in another ataxia-telangiectasia proband, which awards 2.5 points to this variant as per ClinGen SVI Recommendation for in trans Criterion (PM3_Strong; PMID: 22071889, 16941484, 17124347). Studies in ataxia-telangiectasia patient carrier cells show no autophosphorilation in Serine 1981 and no (or trace) phosphorylation of 4 substrates upon irradiation, confirmed with two substrates by functional studies with the variant protein modelled in an ATM-null lymphoblastoid cell line. Intermediate irradiation sensitivity was found in a micronuclei assay (PS3_Moderate; PMID: 22071889, 23632773, 19431188). Therefore, this variant meets criteria to be classified as likely pathogenic. Adapted ACMG/AMP rules were applied as defined by the Spanish-ATM Variant Curation Panel: PM2 + PP3 + PM3_Strong + PS3_Moderate. Adapted ACMG/AMP rules applied as defined by the Spanish ATM working group: PVS1 + PM2 (PMID: 33280026).

Mendelics
Classification: Likely pathogenic for Ataxia-telangiectasia syndrome. Last evaluated: 2019-05-28. Review status: criteria provided, single submitter. Criteria: Mendelics Assertion Criteria 2017. Collection method: clinical testing. Allele origin: unknown.